The following is an entry in ClinVar:

ClinVar aggregate classification (germline): Uncertain significance. Review status: criteria provided, multiple submitters, no conflicts (2 of 4 stars). 4 submissions from 4 submitters: Uncertain significance (4). Last evaluated 2026-03-01.

Conditions:
KIF5A-related disorder. Also called: KIF5A-related condition; KIF5A-related disorders.
Inborn genetic diseases. Identifiers: MedGen C0950123, MeSH D030342.
Spastic paraplegia. Identifiers: MedGen C0037772, HP:0001258.

Allele frequency attached by ClinVar (database versions not stated): TOPMed below 0.00001; gnomAD 0.00001.
gnomAD v4.1: 6 of 1,612,930 alleles (0.00037%); highest among the groups gnomAD compares: Non-Finnish European, 0.00025%; no homozygotes.

Submissions (4):

CeGaT Center for Human Genetics Tuebingen
Classification: Uncertain significance. Last evaluated: 2026-03-01. Review status: criteria provided, single submitter. Criteria: CeGaT Center For Human Genetics Tuebingen Variant Classification Criteria Version 2. Collection method: clinical testing. Allele origin: germline. Affected: yes. Observed: 1 variant allele.

PreventionGenetics, part of Exact Sciences
Classification: Uncertain significance for KIF5A-related condition. Last evaluated: 2026-01-21. Review status: criteria provided, single submitter. Criteria: ACMG Guidelines, 2015. Collection method: clinical testing. Allele origin: germline.
Comment: The KIF5A c.530C>T variant is predicted to result in the amino acid substitution p.Pro177Leu. To our knowledge, this variant has not been reported in the literature. This variant is reported in 0.0099% of alleles in individuals of Ashkenazi Jewish descent in gnomAD. At this time, the clinical significance of this variant is uncertain due to the absence of conclusive functional and genetic evidence.

Labcorp Genetics (formerly Invitae), Labcorp
Classification: Uncertain significance for Spastic paraplegia. Last evaluated: 2025-10-08. Review status: criteria provided, single submitter. Criteria: Invitae Variant Classification Sherloc (09022015). Collection method: clinical testing. Allele origin: germline.
Comment: This sequence change replaces proline, which is neutral and non-polar, with leucine, which is neutral and non-polar, at codon 177 of the KIF5A protein (p.Pro177Leu). This variant is present in population databases (no rsID available, gnomAD 0.01%). This variant has not been reported in the literature in individuals affected with KIF5A-related conditions. ClinVar contains an entry for this variant (Variation ID: 945132). Invitae Evidence Modeling of protein sequence and biophysical properties (such as structural, functional, and spatial information, amino acid conservation, physicochemical variation, residue mobility, and thermodynamic stability) has been performed for this missense variant. However, the output from this modeling did not meet the statistical confidence thresholds required to predict the impact of this variant on KIF5A protein function. In summary, the available evidence is currently insufficient to determine the role of this variant in disease. Therefore, it has been classified as a Variant of Uncertain Significance.

Ambry Genetics
Classification: Uncertain significance for Inborn genetic diseases. Last evaluated: 2025-09-04. Review status: criteria provided, single submitter. Criteria: Ambry Variant Classification Scheme 2023. Collection method: clinical testing. Allele origin: germline.

NM_004984.4(KIF5A):c.530C>T (p.Pro177Leu)

Gene: KIF5A (kinesin family member 5A; plus strand). Cytogenetic location: 12q13.3.
Variant type: single nucleotide variant.
Coding change: c.530C>T on transcript NM_004984.4 (MANE Select); coding-DNA position 530, C replaced by T.
Protein change: p.Pro177Leu; replaces proline 177 with leucine.
Molecular consequence: missense variant.
Genome position (GRCh38, 1-based): chr12:57,567,154, C>T. VCF-style: chr12-57567154-C-T. GRCh37 (hg19) VCF-style: chr12-57960937-C-T.
Other names: c.263C>T, p.Pro88Leu (NM_001354705.2); short protein forms P177L, P88L.
Identifiers: ClinVar variation 945132 (VCV000945132.13), dbSNP rs1319232269, ClinGen allele CA385497684.